The following is an entry in ClinVar:

ClinVar aggregate classification (germline): Benign/Likely benign. Review status: criteria provided, multiple submitters, no conflicts (2 of 4 stars). 4 submissions from 4 submitters: Benign (1); Likely benign (2). 1 of the submissions does not count toward it. Last evaluated 2024-01-18.

Conditions:
Autosomal recessive nonsyndromic hearing loss 28. Identifiers: Orphanet 90636, MedGen C1853276, MONDO:0012355, OMIM 609823.
TRIOBP-related disorder. Also called: TRIOBP-related condition.

Allele frequency attached by ClinVar (database versions not stated): TOPMed 0.00003; gnomAD 0.00009; 1000 Genomes Project 0.00020; 1000 Genomes Project 30x 0.00031; gnomAD exomes 0.00049; ExAC 0.00061.
gnomAD v4.1: 321 of 1,614,110 alleles (0.02%); highest among the groups gnomAD compares: South Asian, 0.34%; 4 homozygotes.

Submissions (4):

Labcorp Genetics (formerly Invitae), Labcorp
Classification: Benign. Last evaluated: 2024-01-18. Review status: criteria provided, single submitter. Criteria: Invitae Variant Classification Sherloc (09022015). Collection method: clinical testing. Allele origin: germline.

GeneDx
Classification: Likely benign. Last evaluated: 2021-03-18. Review status: criteria provided, single submitter. Criteria: GeneDx Variant Classification Process June 2021. Collection method: clinical testing. Allele origin: germline. Affected: yes.

Department of Pathology and Laboratory Medicine, Sinai Health System
Classification: Likely benign for Autosomal recessive nonsyndromic hearing loss 28. Last evaluated: 2020-07-23. Review status: criteria provided, single submitter. Criteria: ACMG Guidelines, 2015. Collection method: research. Allele origin: germline.

PreventionGenetics, part of Exact Sciences
Classification: Likely benign for TRIOBP-related condition. Last evaluated: 2024-08-11. Review status: no assertion criteria provided. Collection method: clinical testing. Allele origin: germline. Not counted in ClinVar's aggregate classification.
Comment: This variant is classified as likely benign based on ACMG/AMP sequence variant interpretation guidelines (Richards et al. 2015 PMID: 25741868, with internal and published modifications).

NM_001039141.3(TRIOBP):c.497G>C (p.Ser166Thr)

Gene: TRIOBP (TRIO and F-actin binding protein; plus strand). Cytogenetic location: 22q13.1.
Variant type: single nucleotide variant.
Coding change: c.497G>C on transcript NM_001039141.3 (MANE Select); coding-DNA position 497, G replaced by C.
Protein change: p.Ser166Thr; replaces serine 166 with threonine.
Molecular consequence: missense variant.
Genome position (GRCh38, 1-based): chr22:37,715,803, G>C. VCF-style: chr22-37715803-G-C. GRCh37 (hg19) VCF-style: chr22-38111810-G-C.
Other names: short protein forms S166T.
Identifiers: ClinVar variation 1191916 (VCV001191916.12), dbSNP rs540459171, ClinGen allele CA10223370.